The following is an entry in ClinVar:

NM_052845.4(MMAB):c.*2684G>C

Gene: MMAB (metabolism of cobalamin associated B; minus strand). Cytogenetic location: 12q24.11.
Variant type: single nucleotide variant.
Coding change: c.*2684G>C on transcript NM_052845.4 (MANE Select); 2684 bases downstream of the stop codon, G replaced by C.
Molecular consequence: 3 prime UTR variant. On other transcripts: non-coding transcript variant (1).
Genome position (GRCh38, 1-based): chr12:109,554,344, C>G on the plus strand (G>C on the coding strand, the complement: MMAB is on the minus strand). VCF-style: chr12-109554344-C-G. GRCh37 (hg19) VCF-style: chr12-109992149-C-G.
Identifiers: ClinVar variation 307010 (VCV000307010.6), dbSNP rs35145546, ClinGen allele CA6778532.
Genomic context (GRCh38, chr12:109,554,344, plus strand): 5'-AGTGCGGGCTGGTGTCACTGTGACTGTGGGCTTCTCTCTGACACAAGAGCCAACTGCCAG[C>G]TTGTCTCTGGAAATGACACTAAACACCCCATTCCAGGGAGCCTGACCTGGAGGCGGAGGA-3'

ClinVar aggregate classification (germline): Benign. Review status: criteria provided, multiple submitters, no conflicts (2 of 4 stars). 2 submissions from 2 submitters: Benign (2). Last evaluated 2018-01-12.

Conditions:
Methylmalonic aciduria, cblB type (MACB). Also called: Vitamin B12-responsive methylmalonic acidemia type cblB; METHYLMALONIC ACIDURIA, VITAMIN B12-RESPONSIVE, DUE TO DEFECT IN SYNTHESIS OF ADENOSYLCOBALAMIN, cblB TYPE; Methylmalonic acidemia cblB type. Identifiers: Orphanet 28, Orphanet 79311, MedGen C1855102, MONDO:0009614, OMIM 251110.

Allele frequency attached by ClinVar (database versions not stated): gnomAD exomes 0.16174 and 0.16227; 1000 Genomes Project 30x 0.16615; ExAC 0.14762; 1000 Genomes Project 0.15895; gnomAD 0.16749 and 0.16925; TOPMed 0.17465.
gnomAD v4.1: 74,596 of 453,970 alleles (16%); highest among the groups gnomAD compares: Middle Eastern, 19%; 6,403 homozygotes.

Submissions (2):

Illumina Laboratory Services, Illumina
Classification: Benign for Methylmalonic aciduria, cblB type. Last evaluated: 2018-01-12. Review status: criteria provided, single submitter. Criteria: ICSL Variant Classification Criteria 13 December 2019. Collection method: clinical testing. Allele origin: germline.
Comment: This variant was observed in the ICSL laboratory as part of a predisposition screen in an ostensibly healthy population. It had not been previously curated by ICSL or reported in the Human Gene Mutation Database (HGMD: prior to June 1st, 2018), and was therefore a candidate for classification through an automated scoring system. Utilizing variant allele frequency, disease prevalence and penetrance estimates, and inheritance mode, an automated score was calculated to assess if this variant is too frequent to cause the disease. Based on the score and internal cut-off values, a variant classified as benign is not then subjected to further curation. The score for this variant resulted in a classification of benign for this disease.

Breakthrough Genomics
Classification: Benign. Review status: criteria provided, single submitter. Criteria: ACMG Guidelines, 2015. Collection method: not provided. Allele origin: germline. Inheritance: Autosomal recessive inheritance. Affected: yes.